The following is an entry in ClinVar:

ClinVar aggregate classification (germline): Uncertain significance. Review status: criteria provided, multiple submitters, no conflicts (2 of 4 stars). 2 submissions from 2 submitters: Uncertain significance (2). Last evaluated 2025-10-22.

Conditions:
UNC119-related disorder. Also called: UNC119-related condition.

Allele frequency attached by ClinVar (database versions not stated): ExAC 0.00002; TOPMed 0.00005; gnomAD 0.00006 and 0.00007; ESP Exome Variant Server 0.00015.

Submissions (2):

Labcorp Genetics (formerly Invitae), Labcorp
Classification: Uncertain significance. Last evaluated: 2025-10-22. Review status: criteria provided, single submitter. Criteria: Invitae Variant Classification Sherloc (09022015). Collection method: clinical testing. Allele origin: germline.
Comment: This sequence change replaces glycine, which is neutral and non-polar, with arginine, which is basic and polar, at codon 238 of the UNC119 protein (p.Gly238Arg). This variant is present in population databases (rs143353275, gnomAD 0.007%). This variant has not been reported in the literature in individuals affected with UNC119-related conditions. ClinVar contains an entry for this variant (Variation ID: 1043784). An algorithm developed to predict the effect of missense changes on protein structure and function (PolyPhen-2) suggests that this variant is likely to be disruptive. In summary, the available evidence is currently insufficient to determine the role of this variant in disease. Therefore, it has been classified as a Variant of Uncertain Significance.

PreventionGenetics, part of Exact Sciences
Classification: Uncertain significance for UNC119-related condition. Last evaluated: 2024-10-25. Review status: criteria provided, single submitter. Criteria: ACMG Guidelines, 2015. Collection method: clinical testing. Allele origin: germline.
Comment: The UNC119 c.712G>A variant is predicted to result in the amino acid substitution p.Gly238Arg. This variant has been reported in study of individuals with bacterial sepsis (Table S7, Reported as 17_26874326, Taudien et al. 2016. PubMed ID: 27639823). This variant is reported in 0.0070% of alleles in individuals of European (Non-Finnish) descent in gnomAD. At this time, the clinical significance of this variant is uncertain due to the absence of conclusive functional and genetic evidence.

NM_005148.4(UNC119):c.712G>A (p.Gly238Arg)

Gene: UNC119 (unc-119 lipid binding chaperone; minus strand). Cytogenetic location: 17q11.2.
Variant type: single nucleotide variant.
Coding change: c.712G>A on transcript NM_005148.4 (MANE Select); coding-DNA position 712, G replaced by A.
Protein change: p.Gly238Arg; replaces glycine 238 with arginine.
Molecular consequence: missense variant. On other transcripts: 3 prime UTR variant (1).
Genome position (GRCh38, 1-based): chr17:28,547,308, C>T on the plus strand (G>A on the coding strand, the complement: UNC119 is on the minus strand). VCF-style: chr17-28547308-C-T. GRCh37 (hg19) VCF-style: chr17-26874326-C-T.
Other names: c.427G>A, p.Gly143Arg (NM_001330166.2); c.*316G>A (NM_054035.2); c.712G>A (NM_005148.3); short protein forms G238R, G143R.
Identifiers: ClinVar variation 1043784 (VCV001043784.6), dbSNP rs143353275, ClinGen allele CA8459692.